The following is an entry in ClinVar:

NM_007294.4(BRCA1):c.4922C>T (p.Ala1641Val)

Gene: BRCA1 (BRCA1 DNA repair associated; minus strand). Cytogenetic location: 17q21.31.
Variant type: single nucleotide variant.
Coding change: c.4922C>T on transcript NM_007294.4 (MANE Select); coding-DNA position 4922, C replaced by T.
Protein change: p.Ala1641Val; replaces alanine 1641 with valine.
Molecular consequence: missense variant. On other transcripts: non-coding transcript variant (1).
Genome position (GRCh38, 1-based): chr17:43,070,992, G>A on the plus strand (C>T on the coding strand, the complement: BRCA1 is on the minus strand). VCF-style: chr17-43070992-G-A. GRCh37 (hg19) VCF-style: chr17-41223009-G-A.
Other names: c.4709C>T, p.Ala1570Val (NM_001407571.1, NM_001407896.1, NM_001407897.1 and 12 more transcripts); c.4988C>T, p.Ala1663Val (NM_001407581.1, NM_001407582.1); c.4985C>T, p.Ala1662Val (NM_001407583.1, NM_001407585.1, NM_001407587.1 and 1 more transcripts); c.4982C>T, p.Ala1661Val (NM_001407590.1, NM_001407591.1); c.4922C>T, p.Ala1641Val (NM_001407593.1, NM_001407594.1, NM_001407596.1 and 8 more transcripts); c.4919C>T, p.Ala1640Val (NM_001407610.1, NM_001407611.1, NM_001407612.1 and 17 more transcripts); c.4916C>T, p.Ala1639Val (NM_001407627.1, NM_001407628.1, NM_001407629.1 and 14 more transcripts); c.4913C>T, p.Ala1638Val (NM_001407645.1, NM_001407644.1); and 70 more; short protein forms A1662V, A1641V, A537V, A1594V, A1345V, A1472V, A1514V, A1530V.
Identifiers: ClinVar variation 825294 (VCV000825294.10), dbSNP rs1597830578, ClinGen allele CA10591676.

ClinVar aggregate classification (germline): Uncertain significance. Review status: criteria provided, multiple submitters, no conflicts (2 of 4 stars). 2 submissions from 2 submitters: Uncertain significance (2). Last evaluated 2023-11-19.

Conditions:
Hereditary cancer-predisposing syndrome. Also called: Hereditary Cancer Syndrome; Hereditary neoplastic syndrome; Neoplastic Syndromes, Hereditary; Tumor predisposition. Identifiers: Orphanet 140162, MedGen C0027672, MeSH D009386, MONDO:0015356.
Hereditary breast ovarian cancer syndrome. Also called: BRCA1- and BRCA2-Associated Hereditary Breast and Ovarian Cancer; Hereditary breast and ovarian cancer syndrome (HBOC); Hereditary breast and ovarian cancer syndrome; Breast and ovarian cancer; Hereditary breast and ovarian cancer; Hereditary breast and/or ovarian cancer syndrome. Identifiers: Orphanet 145, MedGen C0677776, MeSH D061325, MONDO:0003582. Disease mechanism: loss of function.

Submissions (3):

Labcorp Genetics (formerly Invitae), Labcorp
Classification: Uncertain significance for Hereditary breast ovarian cancer syndrome. Last evaluated: 2023-11-19. Review status: criteria provided, single submitter. Criteria: Invitae Variant Classification Sherloc (09022015). Collection method: clinical testing. Allele origin: germline.
Comment: This sequence change replaces alanine, which is neutral and non-polar, with valine, which is neutral and non-polar, at codon 1641 of the BRCA1 protein (p.Ala1641Val). This variant is not present in population databases (gnomAD no frequency). This variant has not been reported in the literature in individuals affected with BRCA1-related conditions. ClinVar contains an entry for this variant (Variation ID: 825294). Advanced modeling performed at Invitae incorporating data from internal and/or published experimental studies (PMID: 30209399) indicates that this missense variant is not expected to disrupt BRCA1 function with a negative predictive value of 95%. In summary, the available evidence is currently insufficient to determine the role of this variant in disease. Therefore, it has been classified as a Variant of Uncertain Significance.

Ambry Genetics
Classification: Uncertain significance for Hereditary cancer-predisposing syndrome. Last evaluated: 2018-01-03. Review status: criteria provided, single submitter. Criteria: Ambry Variant Classification Scheme 2023. Collection method: clinical testing. Allele origin: germline.
Comment: The p.A1641V variant (also known as c.4922C>T), located in coding exon 14 of the BRCA1 gene, results from a C to T substitution at nucleotide position 4922. The alanine at codon 1641 is replaced by valine, an amino acid with similar properties. This amino acid position is poorly conserved in available vertebrate species. In addition, the in silico prediction for this alteration is inconclusive. Since supporting evidence is limited at this time, the clinical significance of this alteration remains unclear.

Brotman Baty Institute, University of Washington
No classification provided (evidence only). Condition: Breast-ovarian cancer, familial 1. Review status: no classification provided. Collection method: in vitro. Allele origin: not applicable. Functional consequence: functionally_normal. Not counted in ClinVar's aggregate classification.
ClinVar note: "not provided" was previously submitted as the classification for the variant. However, the classification appeared to be based only on an observation of functional data so it was converted to no classification on 2025-07-30.

Literature cited by the submitters: PubMed 30209399 (cited by Labcorp Genetics (formerly Invitae), Labcorp).